The following is an entry in ClinVar:

NM_024741.3(ZNF408):c.977G>A (p.Gly326Glu)

Gene: ZNF408 (zinc finger protein 408; plus strand). Cytogenetic location: 11p11.2.
Variant type: single nucleotide variant.
Coding change: c.977G>A on transcript NM_024741.3 (MANE Select); coding-DNA position 977, G replaced by A.
Protein change: p.Gly326Glu; replaces glycine 326 with glutamic acid.
Molecular consequence: missense variant.
Genome position (GRCh38, 1-based): chr11:46,704,677, G>A. VCF-style: chr11-46704677-G-A. GRCh37 (hg19) VCF-style: chr11-46726227-G-A.
Other names: c.953G>A, p.Gly318Glu (NM_001184751.2); short protein forms G318E, G326E.
Identifiers: ClinVar variation 2009309 (VCV002009309.4), dbSNP rs778823668, ClinGen allele CA5966465.

ClinVar aggregate classification (germline): Uncertain significance (1 of 4 stars; one submission).

Allele frequency attached by ClinVar (database versions not stated): gnomAD 0.00001; ExAC 0.00001.
gnomAD v4.1: 4 of 1,613,064 alleles (0.00025%); highest among the groups gnomAD compares: East Asian, 0.0022%; no homozygotes.

Submission:

Labcorp Genetics (formerly Invitae), Labcorp
Classification: Uncertain significance. Last evaluated: 2025-04-28. Review status: criteria provided, single submitter. Criteria: Invitae Variant Classification Sherloc (09022015). Collection method: clinical testing. Allele origin: germline.
Comment: This sequence change replaces glycine, which is neutral and non-polar, with glutamic acid, which is acidic and polar, at codon 326 of the ZNF408 protein (p.Gly326Glu). This variant is present in population databases (rs778823668, gnomAD 0.005%). This variant has not been reported in the literature in individuals affected with ZNF408-related conditions. ClinVar contains an entry for this variant (Variation ID: 2009309). An algorithm developed to predict the effect of missense changes on protein structure and function outputs the following: PolyPhen-2: "Benign". The glutamic acid amino acid residue is found in multiple mammalian species, which suggests that this missense change does not adversely affect protein function. In summary, the available evidence is currently insufficient to determine the role of this variant in disease. Therefore, it has been classified as a Variant of Uncertain Significance.